The following is an entry in ClinVar:

ClinVar aggregate classification (germline): Pathogenic (1 of 4 stars; one submission).

Conditions:
Maple syrup urine disease type 2 (MSUD2). Also called: Maple syrup urine disease, type II. Identifiers: MedGen C1855371, MONDO:0023693, OMIM 620699.

Submission:

Myriad Genetics, Inc.
Classification: Pathogenic for Maple syrup urine disease type 2. Last evaluated: 2025-03-29. Review status: criteria provided, single submitter. Criteria: Myriad Autosomal Dominant, Autosomal Recessive and X-Linked Classification Criteria (2023). Collection method: clinical testing. Allele origin: unknown.
Comment: NM_001918.3(DBT):c.918delC(F307Lfs*6) is expected to be pathogenic in the context of maple syrup urine disease type II. This variant is predicted to lead to an abnormal or absent protein product due to the creation of a premature termination codon in DBT, a gene where loss-of-function variants are known to be pathogenic. Please note: this variant was assessed in the context of healthy population screening.

NM_001918.5(DBT):c.918del (p.Phe307fs)

Gene: DBT (dihydrolipoamide branched chain transacylase E2; minus strand). Cytogenetic location: 1p21.2.
Variant type: Deletion.
Coding change: c.918del on transcript NM_001918.5 (MANE Select); coding-DNA position 918, one base deleted (C; older notation c.918delC).
Protein change: p.Phe307fs; shifts the reading frame from phenylalanine 307.
Molecular consequence: frameshift variant. On other transcripts: non-coding transcript variant (4).
Genome position (GRCh38, 1-based): chr1:100,214,838, G deleted on the plus strand (C on the coding strand, the reverse complement: DBT is on the minus strand); the first of 2 consecutive G bases (chr1:100,214,838-100,214,839); deleting either gives the same sequence. VCF-style (leftmost placement, unchanged base first): chr1-100214837-AG-A. GRCh37 (hg19) VCF-style: chr1-100680393-AG-A.
Other names: c.375del, p.Phe126fs (NM_001399969.1, NM_001399972.1); short protein forms F126fs, F307fs.
Identifiers: ClinVar variation 5014278 (VCV005014278.1).